The following is an entry in ClinVar:

ClinVar aggregate classification (germline): Uncertain significance (1 of 4 stars; one submission).

Submission:

Mayo Clinic Laboratories, Mayo Clinic
Classification: Uncertain significance. Last evaluated: 2022-03-03. Review status: criteria provided, single submitter. Criteria: ACMG Guidelines, 2015. Collection method: clinical testing. Allele origin: germline. Observed: 1 variant allele.
Comment: PP3, PM1, PM2

NM_021870.3(FGG):c.1138T>A (p.Tyr380Asn)

Gene: FGG (fibrinogen gamma chain; minus strand). Cytogenetic location: 4q32.1.
Variant type: single nucleotide variant.
Coding change: c.1138T>A on transcript NM_021870.3 (MANE Select); coding-DNA position 1138, T replaced by A.
Protein change: p.Tyr380Asn; replaces tyrosine 380 with asparagine.
Molecular consequence: missense variant.
Genome position (GRCh38, 1-based): chr4:154,605,058, A>T on the plus strand (T>A on the coding strand, the complement: FGG is on the minus strand). VCF-style: chr4-154605058-A-T. GRCh37 (hg19) VCF-style: chr4-155526210-A-T.
Other names: p.Tyr380Asn; c.1138T>A, p.Tyr380Asn (NM_000509.6); short protein forms Y380N.
Identifiers: ClinVar variation 2682873 (VCV002682873.1), dbSNP rs2530853032, ClinGen allele CA358535485.